The following is an entry in ClinVar:

ClinVar aggregate classification (germline): Uncertain significance (1 of 4 stars; one submission).

Conditions:
Developmental and epileptic encephalopathy, 23 (DEE23). Also called: Epileptic encephalopathy, early infantile, 23. Identifiers: Orphanet 411986, MedGen C4014492, MONDO:0014371, OMIM 615859.

Allele frequency attached by ClinVar (database versions not stated): TOPMed below 0.00001.
gnomAD v4.1: 3 of 1,613,138 alleles (0.00019%); highest among the groups gnomAD compares: South Asian, 0.0011%; no homozygotes.

Submission:

Labcorp Genetics (formerly Invitae), Labcorp
Classification: Uncertain significance for Developmental and epileptic encephalopathy, 23. Last evaluated: 2021-09-01. Review status: criteria provided, single submitter. Criteria: Invitae Variant Classification Sherloc (09022015). Collection method: clinical testing. Allele origin: germline.
Comment: This sequence change replaces isoleucine with phenylalanine at codon 364 of the DOCK7 protein (p.Ile364Phe). The isoleucine residue is moderately conserved and there is a small physicochemical difference between isoleucine and phenylalanine. This variant is not present in population databases (ExAC no frequency). This variant has not been reported in the literature in individuals affected with DOCK7-related conditions. Algorithms developed to predict the effect of missense changes on protein structure and function are either unavailable or do not agree on the potential impact of this missense change (SIFT: "Deleterious"; PolyPhen-2: "Benign"; Align-GVGD: "Class C0"). In summary, the available evidence is currently insufficient to determine the role of this variant in disease. Therefore, it has been classified as a Variant of Uncertain Significance.

NM_001367561.1(DOCK7):c.1090A>T (p.Ile364Phe)

Gene: DOCK7 (dedicator of cytokinesis 7; minus strand). Cytogenetic location: 1p31.3.
Variant type: single nucleotide variant.
Coding change: c.1090A>T on transcript NM_001367561.1 (MANE Select); coding-DNA position 1090, A replaced by T.
Protein change: p.Ile364Phe; replaces isoleucine 364 with phenylalanine.
Molecular consequence: missense variant.
Genome position (GRCh38, 1-based): chr1:62,633,524, T>A on the plus strand (A>T on the coding strand, the complement: DOCK7 is on the minus strand). VCF-style: chr1-62633524-T-A. GRCh37 (hg19) VCF-style: chr1-63099195-T-A.
Other names: c.1090A>T, p.Ile364Phe (NM_001271999.2, NM_001272000.2, NM_001272001.2 and 3 more transcripts); short protein forms I364F.
Identifiers: ClinVar variation 844227 (VCV000844227.7), dbSNP rs1352944029, ClinGen allele CA340620846.